The following is an entry in ClinVar:

ClinVar aggregate classification (germline): Uncertain significance (1 of 4 stars; one submission).

Conditions:
Acute myeloid leukemia (AML). Also called: Acute myeloid leukemia, adult; AML adult; Acute non-lymphocytic leukemia; Acute granulocytic leukemia; Leukemia, acute myeloid, somatic; Leukemia, acute myelogenous, somatic. Identifiers: Orphanet 519, MedGen C0023467, MeSH D015470, MONDO:0018874, OMIM 601626, HP:0004808. Disease mechanism: Constitutively activated FLT3.

Submission:

Labcorp Genetics (formerly Invitae), Labcorp
Classification: Uncertain significance for Acute myeloid leukemia. Last evaluated: 2023-09-05. Review status: criteria provided, single submitter. Criteria: Invitae Variant Classification Sherloc (09022015). Collection method: clinical testing. Allele origin: germline.
Comment: Advanced modeling of protein sequence and biophysical properties (such as structural, functional, and spatial information, amino acid conservation, physicochemical variation, residue mobility, and thermodynamic stability) performed at Invitae indicates that this missense variant is expected to disrupt CEBPA protein function. In summary, the available evidence is currently insufficient to determine the role of this variant in disease. Therefore, it has been classified as a Variant of Uncertain Significance. This variant has not been reported in the literature in individuals affected with CEBPA-related conditions. This variant is not present in population databases (gnomAD no frequency). This sequence change replaces lysine, which is basic and polar, with threonine, which is neutral and polar, at codon 275 of the CEBPA protein (p.Lys275Thr).

NM_004364.5(CEBPA):c.824A>C (p.Lys275Thr)

Gene: CEBPA (CCAAT enhancer binding protein alpha; minus strand). Cytogenetic location: 19q13.11.
Variant type: single nucleotide variant.
Coding change: c.824A>C on transcript NM_004364.5 (MANE Select); coding-DNA position 824, A replaced by C.
Protein change: p.Lys275Thr; replaces lysine 275 with threonine.
Molecular consequence: missense variant.
Genome position (GRCh38, 1-based): chr19:33,301,591, T>G on the plus strand (A>C on the coding strand, the complement: CEBPA is on the minus strand). VCF-style: chr19-33301591-T-G. GRCh37 (hg19) VCF-style: chr19-33792497-T-G.
Other names: c.467A>C, p.Lys156Thr (NM_001285829.2); c.929A>C, p.Lys310Thr (NM_001287424.2); c.782A>C, p.Lys261Thr (NM_001287435.2); short protein forms K156T, K310T, K261T, K275T.
Identifiers: ClinVar variation 2758282 (VCV002758282.3), dbSNP rs757273086, ClinGen allele CA405274140.